The following is an entry in ClinVar:

NM_000516.7(GNAS):c.347_348dup (p.Val117fs)

Gene: GNAS (GNAS complex locus; plus strand). Cytogenetic location: 20q13.32.
Variant type: Duplication.
Coding change: c.347_348dup on transcript NM_000516.7 (MANE Select); coding-DNA positions 347 to 348, 2 bases duplicated (CC; older notation c.347_348dupCC).
Protein change: p.Val117fs; shifts the reading frame from valine 117.
Molecular consequence: frameshift variant. On other transcripts: 3 prime UTR variant (2).
Genome position (GRCh38, 1-based): chr20:58,903,706-58,903,707, CC duplicated; duplicating any 2 consecutive bases within chr20:58,903,702-58,903,707 gives the same sequence; the c. name uses the placement nearest the transcript's 3' end. VCF-style (leftmost placement, unchanged base first): chr20-58903701-G-GCC. GRCh37 (hg19) VCF-style: chr20-57478756-G-GCC.
Other names: c.350_351dup, p.Val118fs (NM_001077488.5); c.302_303dup, p.Val102fs (NM_001077489.4); c.*208_*209dup (NM_001077490.3); c.170_171dup, p.Val58fs (NM_001309840.2, NM_001309861.2); c.251_252dup, p.Val85fs (NM_001410912.1); c.2231_2232dup, p.Val745fs (NM_001410913.1); c.*253_*254dup (NM_016592.5); c.2276_2277dup, p.Val760fs (NM_080425.4); and 1 more; short protein forms V102fs, V103fs, V117fs, V118fs, V58fs, V745fs, V760fs, V85fs.
Identifiers: ClinVar variation 2672882 (VCV002672882.23), dbSNP rs2090848106, ClinGen allele CA2695201414.

ClinVar aggregate classification (germline): Pathogenic (1 of 4 stars; one submission).

Submission:

CeGaT Center for Human Genetics Tuebingen
Classification: Pathogenic. Last evaluated: 2023-11-01. Review status: criteria provided, single submitter. Criteria: CeGaT Center For Human Genetics Tuebingen Variant Classification Criteria Version 2. Collection method: clinical testing. Allele origin: germline. Affected: yes. Observed: 1 variant allele.
Comment: GNAS: PVS1, PM2